The following is an entry in ClinVar:

NM_001367624.2(ZNF469):c.4273C>G (p.Leu1425Val)

Gene: ZNF469 (zinc finger protein 469; plus strand). Cytogenetic location: 16q24.2.
Variant type: single nucleotide variant.
Coding change: c.4273C>G on transcript NM_001367624.2 (MANE Select); coding-DNA position 4273, C replaced by G.
Protein change: p.Leu1425Val; replaces leucine 1425 with valine.
Molecular consequence: missense variant.
Genome position (GRCh38, 1-based): chr16:88,431,743, C>G. VCF-style: chr16-88431743-C-G. GRCh37 (hg19) VCF-style: chr16-88498151-C-G.
Other names: p.Leu1425Val; short protein forms L1425V.
Identifiers: ClinVar variation 4542064 (VCV004542064.1).

ClinVar aggregate classification (germline): Uncertain significance (1 of 4 stars; one submission).

gnomAD v4.1: 5 of 1,549,956 alleles (0.00032%); highest among the groups gnomAD compares: Non-Finnish European, 0.00044%; no homozygotes.

Submission:

Mayo Clinic Laboratories, Mayo Clinic
Classification: Uncertain significance. Last evaluated: 2025-12-05. Review status: criteria provided, single submitter. Criteria: ACMG Guidelines, 2015. Collection method: clinical testing. Allele origin: germline. Observed: 1 variant allele.
Comment: BP4, PM2_supporting